The following is an entry in ClinVar:

NM_182641.4(BPTF):c.3298A>G (p.Lys1100Glu)

Gene: BPTF (bromodomain PHD finger transcription factor; plus strand). Cytogenetic location: 17q24.2.
Variant type: single nucleotide variant.
Coding change: c.3298A>G on transcript NM_182641.4 (MANE Select); coding-DNA position 3298, A replaced by G.
Protein change: p.Lys1100Glu; replaces lysine 1100 with glutamic acid.
Molecular consequence: missense variant.
Genome position (GRCh38, 1-based): chr17:67,911,182, A>G. VCF-style: chr17-67911182-A-G. GRCh37 (hg19) VCF-style: chr17-65907298-A-G.
Other names: c.3676A>G, p.Lys1226Glu (NM_004459.7); short protein forms K1100E, K1226E.
Identifiers: ClinVar variation 2070743 (VCV002070743.7), dbSNP rs149482106, ClinGen allele CA8725616.

ClinVar aggregate classification (germline): Likely benign. Review status: criteria provided, multiple submitters, no conflicts (2 of 4 stars). 3 submissions from 3 submitters: Likely benign (2). 1 of the submissions does not count toward it. Last evaluated 2025-03-29.

Conditions:
Inborn genetic diseases. Identifiers: MedGen C0950123, MeSH D030342.
BPTF-related disorder. Also called: BPTF-related condition.

Allele frequency attached by ClinVar (database versions not stated): 1000 Genomes Project 30x 0.00016; 1000 Genomes Project 0.00020; gnomAD 0.00032; TOPMed 0.00040; ExAC 0.00051; ESP Exome Variant Server 0.00054.
gnomAD v4.1: 815 of 1,613,756 alleles (0.051%); highest among the groups gnomAD compares: Non-Finnish European, 0.062%; no homozygotes.

Submissions (3):

Labcorp Genetics (formerly Invitae), Labcorp
Classification: Likely benign. Last evaluated: 2025-03-29. Review status: criteria provided, single submitter. Criteria: Invitae Variant Classification Sherloc (09022015). Collection method: clinical testing. Allele origin: germline.

Ambry Genetics
Classification: Likely benign for Inborn genetic diseases. Last evaluated: 2021-10-05. Review status: criteria provided, single submitter. Criteria: Ambry Variant Classification Scheme 2023. Collection method: clinical testing. Allele origin: germline.

PreventionGenetics, part of Exact Sciences
Classification: Likely benign for BPTF-related condition. Last evaluated: 2023-12-01. Review status: no assertion criteria provided. Collection method: clinical testing. Allele origin: germline. Not counted in ClinVar's aggregate classification.
Comment: This variant is classified as likely benign based on ACMG/AMP sequence variant interpretation guidelines (Richards et al. 2015 PMID: 25741868, with internal and published modifications).